The following is an entry in ClinVar:

ClinVar aggregate classification (germline): Likely pathogenic. Review status: criteria provided, multiple submitters, no conflicts (2 of 4 stars). 2 submissions from 2 submitters: Likely pathogenic (2). Last evaluated 2024-06-03.

Conditions:
Cleidocranial dysostosis (CLCD1). Also called: cleidocranial dysplasia 1; Marie-Sainton disease; Cleidocranial Dysplasia Spectrum Disorder. Identifiers: Orphanet 1452, MedGen C0008928, MONDO:0007340, OMIM 119600.

Submissions (2):

Greenwood Genetic Center Diagnostic Laboratories, Greenwood Genetic Center
Classification: Likely pathogenic for Cleidocranial dysostosis. Last evaluated: 2024-06-03. Review status: criteria provided, single submitter. Criteria: ACMG Guidelines, 2015. Collection method: clinical testing. Allele origin: germline. Affected: yes.
Comment: PVS1, PM2

Labcorp Genetics (formerly Invitae), Labcorp
Classification: Likely pathogenic. Last evaluated: 2023-07-29. Review status: criteria provided, single submitter. Criteria: Invitae Variant Classification Sherloc (09022015). Collection method: clinical testing. Allele origin: germline.
Comment: In summary, the currently available evidence indicates that the variant is pathogenic, but additional data are needed to prove that conclusively. Therefore, this variant has been classified as Likely Pathogenic. Algorithms developed to predict the effect of sequence changes on RNA splicing suggest that this variant may disrupt the consensus splice site. This variant has not been reported in the literature in individuals affected with RUNX2-related conditions. This variant is not present in population databases (gnomAD no frequency). This sequence change affects an acceptor splice site in intron 6 of the RUNX2 gene. It is expected to disrupt RNA splicing. Variants that disrupt the donor or acceptor splice site typically lead to a loss of protein function (PMID: 16199547), and loss-of-function variants in RUNX2 are known to be pathogenic (PMID: 10521292, 11857736).

Literature cited by the submitters: PubMed 16199547 (cited by Labcorp Genetics (formerly Invitae), Labcorp); PubMed 10521292 (cited by Labcorp Genetics (formerly Invitae), Labcorp); PubMed 11857736 (cited by Labcorp Genetics (formerly Invitae), Labcorp).

NM_001024630.4(RUNX2):c.860-1G>A

Gene: RUNX2 (RUNX family transcription factor 2; plus strand). Cytogenetic location: 6p21.1.
Variant type: single nucleotide variant.
Coding change: c.860-1G>A on transcript NM_001024630.4 (MANE Select); the canonical splice acceptor site of the intron before coding-DNA position 860, G replaced by A.
Molecular consequence: splice acceptor variant.
Genome position (GRCh38, 1-based): chr6:45,512,245, G>A. VCF-style: chr6-45512245-G-A. GRCh37 (hg19) VCF-style: chr6-45479982-G-A.
Other names: c.860-1G>A (NM_001015051.4); c.818-1G>A (NM_001369405.1, NM_001278478.2).
Identifiers: ClinVar variation 2748277 (VCV002748277.4), dbSNP rs2150421181, ClinGen allele CA363955823.